The following is an entry in ClinVar:

ClinVar aggregate classification (germline): Uncertain significance (1 of 4 stars; one submission).

Submission:

Labcorp Genetics (formerly Invitae), Labcorp
Classification: Uncertain significance. Last evaluated: 2024-08-14. Review status: criteria provided, single submitter. Criteria: Invitae Variant Classification Sherloc (09022015). Collection method: clinical testing. Allele origin: germline.
Comment: This sequence change creates a premature translational stop signal (p.Gln847Hisfs*16) in the CTNNA1 gene. While this is not anticipated to result in nonsense mediated decay, it is expected to disrupt the last 60 amino acid(s) of the CTNNA1 protein. This variant is not present in population databases (gnomAD no frequency). This variant has not been reported in the literature in individuals affected with CTNNA1-related conditions. Experimental studies and prediction algorithms are not available or were not evaluated, and the functional significance of this variant is currently unknown. In summary, the available evidence is currently insufficient to determine the role of this variant in disease. Therefore, it has been classified as a Variant of Uncertain Significance.

NM_001903.5(CTNNA1):c.2533_2534dup (p.Gln847fs)

Gene: CTNNA1 (catenin alpha 1; plus strand). Cytogenetic location: 5q31.2.
Variant type: Duplication.
Coding change: c.2533_2534dup on transcript NM_001903.5 (MANE Select); coding-DNA positions 2533 to 2534, 2 bases duplicated (AA; older notation c.2533_2534dupAA).
Protein change: p.Gln847fs; shifts the reading frame from glutamine 847.
Molecular consequence: frameshift variant. On other transcripts: 3 prime UTR variant (5).
Genome position (GRCh38, 1-based): chr5:138,933,901-138,933,902, AA duplicated; duplicating any 2 consecutive bases within chr5:138,933,899-138,933,902 gives the same sequence; the c. name uses the placement nearest the transcript's 3' end. VCF-style (leftmost placement, unchanged base first): chr5-138933898-C-CAA. GRCh37 (hg19) VCF-style: chr5-138269587-C-CAA.
Other names: c.*78_*79dup (NM_001290307.3, NM_001324002.1, NM_001324003.1 and 2 more transcripts); c.2224_2225dup, p.Gln744fs (NM_001290309.3); c.2164_2165dup, p.Gln724fs (NM_001290310.3); c.1423_1424dup, p.Gln477fs (NM_001290312.1, NM_001323987.1, NM_001323988.1 and 12 more transcripts); c.2533_2534dup, p.Gln847fs (NM_001323982.2, NM_001323983.1, NM_001323984.2); c.2506_2507dup, p.Gln838fs (NM_001323985.2); c.2440_2441dup, p.Gln816fs (NM_001323986.2); c.1288_1289dup, p.Gln432fs (NM_001324001.1); and 3 more; short protein forms Q364fs, Q432fs, Q744fs, Q838fs, Q477fs, Q396fs, Q446fs, Q724fs.
Identifiers: ClinVar variation 3662350 (VCV003662350.2).